The following is an entry in ClinVar:

ClinVar aggregate classification (germline): Uncertain significance (1 of 4 stars; one submission).

Submission:

Ambry Genetics
Classification: Uncertain significance. Last evaluated: 2023-04-17. Review status: criteria provided, single submitter. Criteria: Ambry Variant Classification Scheme 2023. Collection method: clinical testing. Allele origin: germline.
Comment: The p.V604E variant (also known as c.1811T>A), located in coding exon 18 of the RASA2 gene, results from a T to A substitution at nucleotide position 1811. The valine at codon 604 is replaced by glutamic acid, an amino acid with dissimilar properties. This amino acid position is conserved. In addition, the in silico prediction for this alteration is inconclusive. Since supporting evidence is limited at this time, the clinical significance of this alteration remains unclear.

NM_006506.5(RASA2):c.1811T>A (p.Val604Glu)

Gene: RASA2 (RAS p21 protein activator 2; plus strand). Cytogenetic location: 3q23.
Variant type: single nucleotide variant.
Coding change: c.1811T>A on transcript NM_006506.5 (MANE Select); coding-DNA position 1811, T replaced by A.
Protein change: p.Val604Glu; replaces valine 604 with glutamic acid.
Molecular consequence: missense variant.
Genome position (GRCh38, 1-based): chr3:141,586,083, T>A. VCF-style: chr3-141586083-T-A. GRCh37 (hg19) VCF-style: chr3-141304925-T-A.
Other names: c.1811T>A, p.Val604Glu (NM_001303245.3, NM_001303246.3); short protein forms V604E.
Identifiers: ClinVar variation 2562695 (VCV002562695.2), dbSNP rs1371714427, ClinGen allele CA354781852.